The following is an entry in ClinVar:

ClinVar aggregate classification (germline): Uncertain significance. Review status: criteria provided, single submitter (1 of 4 stars). 2 submissions from 2 submitters: Uncertain significance (1). 1 of the submissions does not count toward it. Last evaluated 2024-04-09.

Conditions:
NPHP1-related disorder. Also called: NPHP1-related disorders; NPHP1-related condition.
Joubert syndrome with renal defect. Also called: JOUBERT SYNDROME 4. Identifiers: Orphanet 220497, MedGen C1846790, MONDO:0012308, OMIM 609583.
Nephronophthisis 1 (NPHP1). Also called: Nephronophthisis familial juvenile. Identifiers: Orphanet 655, Orphanet 93592, MedGen C1855681, MONDO:0009728, OMIM 256100.
Senior-Loken syndrome 1 (SLSN1). Also called: JUVENILE NEPHRONOPHTHISIS WITH LEBER AMAUROSIS. Identifiers: Orphanet 3156, MedGen C4551559, MONDO:0009962, OMIM 266900.

gnomAD v4.1: 9 of 1,613,032 alleles (0.00056%); highest among the groups gnomAD compares: African/African-American, 0.0027%; no homozygotes.

Submissions (2):

Fulgent Genetics
Classification: Uncertain significance for Nephronophthisis 1; Senior-Loken syndrome 1; Joubert syndrome with renal defect. Last evaluated: 2024-04-09. Review status: criteria provided, single submitter. Criteria: ACMG Guidelines, 2015. Collection method: clinical testing. Allele origin: germline.

PreventionGenetics, part of Exact Sciences
Classification: Uncertain significance for NPHP1-related condition. Last evaluated: 2024-08-22. Review status: no assertion criteria provided. Collection method: clinical testing. Allele origin: germline. Not counted in ClinVar's aggregate classification.
Comment: The NPHP1 c.1315T>G variant is predicted to result in the amino acid substitution p.Phe439Val. To our knowledge, this variant has not been reported in the literature. This variant is reported in 0.0080% of alleles in individuals of African descent in gnomAD. At this time, the clinical significance of this variant is uncertain due to the absence of conclusive functional and genetic evidence.

NM_001128178.3(NPHP1):c.1147T>G (p.Phe383Val)

Genes: NPHP1 (nephrocystin 1; minus strand), LOC126806306 (P300/CBP strongly-dependent group 1 enhancer GRCh37_chr2:110906815-110908014; plus strand). Cytogenetic location: 2q13.
Variant type: single nucleotide variant.
Coding change: c.1147T>G on transcript NM_001128178.3 (MANE Select); coding-DNA position 1147, T replaced by G.
Protein change: p.Phe383Val; replaces phenylalanine 383 with valine.
Molecular consequence: missense variant.
Genome position (GRCh38, 1-based): chr2:110,150,193, A>C on the plus strand (T>G on the coding strand, the complement: NPHP1 is on the minus strand). VCF-style: chr2-110150193-A-C. GRCh37 (hg19) VCF-style: chr2-110907770-A-C.
Other names: c.1315T>G (NM_000272.4); c.1315T>G, p.Phe439Val (NM_000272.5); c.958T>G, p.Phe320Val (NM_001128179.3); c.1144T>G, p.Phe382Val (NM_001374256.1); c.1147T>G, p.Phe383Val (NM_001374257.1); c.1312T>G, p.Phe438Val (NM_207181.4); short protein forms F320V, F382V, F383V, F438V, F439V.
Identifiers: ClinVar variation 3350120 (VCV003350120.2).